The following is an entry in ClinVar:

ClinVar aggregate classification (germline): Uncertain significance. Review status: criteria provided, multiple submitters, no conflicts (2 of 4 stars). 2 submissions from 2 submitters: Uncertain significance (2). Last evaluated 2025-09-05.

Conditions:
Inborn genetic diseases. Identifiers: MedGen C0950123, MeSH D030342.
Psoriasis 2. Identifiers: MedGen C1864497, MONDO:0011269, OMIM 602723.
Pityriasis rubra pilaris (PRP). Also called: Pityriasis rubra pilaris--familial type. Identifiers: Orphanet 2897, MedGen C0032027, MONDO:0100017, OMIM 173200, MONDO:0008251.

Allele frequency attached by ClinVar (database versions not stated): gnomAD 0.00001; TOPMed 0.00002; ExAC 0.00006; ESP Exome Variant Server 0.00008.

Submissions (2):

Ambry Genetics
Classification: Uncertain significance for Inborn genetic diseases. Last evaluated: 2025-09-05. Review status: criteria provided, single submitter. Criteria: Ambry Variant Classification Scheme 2023. Collection method: clinical testing. Allele origin: germline.

Labcorp Genetics (formerly Invitae), Labcorp
Classification: Uncertain significance for Pityriasis rubra pilaris; Psoriasis 2. Last evaluated: 2023-07-14. Review status: criteria provided, single submitter. Criteria: Invitae Variant Classification Sherloc (09022015). Collection method: clinical testing. Allele origin: germline.
Comment: In summary, the available evidence is currently insufficient to determine the role of this variant in disease. Therefore, it has been classified as a Variant of Uncertain Significance. Advanced modeling of protein sequence and biophysical properties (such as structural, functional, and spatial information, amino acid conservation, physicochemical variation, residue mobility, and thermodynamic stability) performed at Invitae indicates that this missense variant is expected to disrupt CARD14 protein function. This variant has not been reported in the literature in individuals affected with CARD14-related conditions. The frequency data for this variant in the population databases is considered unreliable, as metrics indicate poor data quality at this position in the gnomAD database. This sequence change replaces glutamic acid, which is acidic and polar, with lysine, which is basic and polar, at codon 126 of the CARD14 protein (p.Glu126Lys).

NM_001366385.1(CARD14):c.376G>A (p.Glu126Lys)

Gene: CARD14 (caspase recruitment domain family member 14; plus strand). Cytogenetic location: 17q25.3.
Variant type: single nucleotide variant.
Coding change: c.376G>A on transcript NM_001366385.1 (MANE Select); coding-DNA position 376, G replaced by A.
Protein change: p.Glu126Lys; replaces glutamic acid 126 with lysine.
Molecular consequence: missense variant. On other transcripts: non-coding transcript variant (1).
Genome position (GRCh38, 1-based): chr17:80,183,939, G>A. VCF-style: chr17-80183939-G-A. GRCh37 (hg19) VCF-style: chr17-78157738-G-A.
Other names: c.376G>A (NM_024110.3); c.376G>A, p.Glu126Lys (NM_001257970.1, NM_024110.4); short protein forms E126K.
Identifiers: ClinVar variation 2925810 (VCV002925810.4), dbSNP rs377568726, ClinGen allele CA8816413.
Genomic context (GRCh38, chr17:80,183,939, plus strand): 5'-CTGCTCACTTGCTCACCTGCCCATCTGCCCACAGGTCTCATGGAGACATCCAAGCTGACC[G>A]AGTGCCTGGCTGGGGCCATCGGCAGCCTGCAGGAGGAGCTGAACCAGGAAAAGGGGCAGA-3'
Protein context (NP_001353314.1, residues 116-136): SGLMETSKLT[Glu126Lys]CLAGAIGSLQ